The following is an entry in ClinVar:

ClinVar aggregate classification (germline): Uncertain significance (1 of 4 stars; one submission).

Submission:

GeneDx
Classification: Uncertain significance. Last evaluated: 2022-04-08. Review status: criteria provided, single submitter. Criteria: GeneDx Variant Classification Process June 2021. Collection method: clinical testing. Allele origin: germline. Affected: yes.
Comment: Not observed at significant frequency in large population cohorts (gnomAD); In silico analysis supports that this missense variant does not alter protein structure/function; Has not been previously published as pathogenic or benign to our knowledge

NM_000937.5(POLR2A):c.3909G>C (p.Gln1303His)

Genes: POLR2A (RNA polymerase II subunit A; plus strand), LOC126862482 (CDK7 strongly-dependent group 2 enhancer GRCh37_chr17:7414586-7415785; plus strand). Cytogenetic location: 17p13.1.
Variant type: single nucleotide variant.
Coding change: c.3909G>C on transcript NM_000937.5 (MANE Select); coding-DNA position 3909, G replaced by C.
Protein change: p.Gln1303His; replaces glutamine 1303 with histidine.
Molecular consequence: missense variant.
Genome position (GRCh38, 1-based): chr17:7,511,310, G>C. VCF-style: chr17-7511310-G-C. GRCh37 (hg19) VCF-style: chr17-7414629-G-C.
Other names: short protein forms Q1303H.
Identifiers: ClinVar variation 1708781 (VCV001708781.2), dbSNP rs1483577443, ClinGen allele CA397819097.